The following is an entry in ClinVar:

ClinVar aggregate classification (germline): Pathogenic (1 of 4 stars; one submission).

Submission:

Labcorp Genetics (formerly Invitae), Labcorp
Classification: Pathogenic. Last evaluated: 2021-05-26. Review status: criteria provided, single submitter. Criteria: Invitae Variant Classification Sherloc (09022015). Collection method: clinical testing. Allele origin: germline.
Comment: For these reasons, this variant has been classified as Pathogenic. This variant has not been reported in the literature in individuals with ABHD12-related conditions. This variant is not present in population databases (ExAC no frequency). This sequence change creates a premature translational stop signal (p.Leu247Argfs*11) in the ABHD12 gene. It is expected to result in an absent or disrupted protein product. Loss-of-function variants in ABHD12 are known to be pathogenic (PMID: 20797687).

Literature cited by the submitters: PubMed 20797687.

NM_001042472.3(ABHD12):c.738_748del (p.Leu247fs)

Genes: ABHD12 (abhydrolase domain containing 12, lysophospholipase; minus strand), LOC126863008 (CDK7 strongly-dependent group 2 enhancer GRCh37_chr20:25289826-25291025; plus strand). Cytogenetic location: 20p11.21.
Variant type: Deletion.
Coding change: c.738_748del on transcript NM_001042472.3 (MANE Select); coding-DNA positions 738 to 748, 11 bases deleted (TCTGGGCACTG).
Protein change: p.Leu247fs; shifts the reading frame from leucine 247.
Molecular consequence: frameshift variant.
Genome position (GRCh38, 1-based): chr20:25,309,447-25,309,457, CAGTGCCCAGA deleted on the plus strand (TCTGGGCACTG on the coding strand, the reverse complement: ABHD12 is on the minus strand). VCF-style (leftmost placement, unchanged base first): chr20-25309446-CCAGTGCCCAGA-C. GRCh37 (hg19) VCF-style: chr20-25290082-CCAGTGCCCAGA-C.
Other names: c.738_748del, p.Leu247fs (NM_015600.5); short protein forms L247fs.
Identifiers: ClinVar variation 1429666 (VCV001429666.6), dbSNP rs2145935724, ClinGen allele CA2573156952.